The following is an entry in ClinVar:

ClinVar aggregate classification (germline): Conflicting classifications of pathogenicity. Review status: criteria provided, conflicting classifications (1 of 4 stars). 6 submissions from 6 submitters: Uncertain significance (3); Likely benign (2). 1 of the submissions does not count toward it. Last evaluated 2025-11-03.

Conditions:
PLEC-related disorder. Also called: PLEC-related disorders; PLEC-related condition.
Epidermolysis bullosa simplex with nail dystrophy (EBS5D). Identifiers: MedGen C4225309, MONDO:0014661, OMIM 616487.
Epidermolysis bullosa simplex 5C, with pyloric atresia (EBS5C). Also called: PLEC-Related Epidermolysis Bullosa with Pyloric Atresia; Epidermolysis bullosa simplex with pyloric atresia; PLEC1-Related Epidermolysis Bullosa with Pyloric Atresia. Identifiers: Orphanet 158684, MedGen C2677349, MONDO:0012807, OMIM 612138.
Epidermolysis bullosa simplex 5B, with muscular dystrophy (EBS5B). Also called: EPIDERMOLYSIS BULLOSA SIMPLEX AND LIMB-GIRDLE MUSCULAR DYSTROPHY; Epidermolysis bullosa simplex with muscular dystrophy. Identifiers: Orphanet 257, MedGen C2931072, MONDO:0009181, OMIM 226670.
Autosomal recessive limb-girdle muscular dystrophy type 2Q (LGMDR17). Also called: MUSCULAR DYSTROPHY, LIMB-GIRDLE, AUTOSOMAL RECESSIVE 17. Identifiers: Orphanet 254361, MedGen C3150989, MONDO:0013390, OMIM 613723.
Epidermolysis bullosa simplex, Ogna type (EBS5A). Also called: Pidermolysis bullosa simplex 5A, Ogna type; EPIDERMOLYSIS BULLOSA SIMPLEX 5A, OGNA TYPE. Identifiers: Orphanet 79401, MedGen C0432317, MONDO:0007555, OMIM 131950.

Allele frequency attached by ClinVar (database versions not stated): ExAC 0.00008; ESP Exome Variant Server 0.00024; gnomAD 0.00014 and 0.00015; gnomAD exomes 0.00007 and 0.00013; TOPMed 0.00015.
gnomAD v4.1: 138 of 1,613,286 alleles (0.0086%); highest among the groups gnomAD compares: African/African-American, 0.012%; no homozygotes.

Submissions (6):

Labcorp Genetics (formerly Invitae), Labcorp
Classification: Likely benign for Autosomal recessive limb-girdle muscular dystrophy type 2Q; Epidermolysis bullosa simplex, Ogna type; Epidermolysis bullosa simplex with nail dystrophy; Epidermolysis bullosa simplex 5C, with pyloric atresia; Epidermolysis bullosa simplex 5B, with muscular dystrophy. Last evaluated: 2025-11-03. Review status: criteria provided, single submitter. Criteria: Invitae Variant Classification Sherloc (09022015). Collection method: clinical testing. Allele origin: germline.

GeneDx
Classification: Uncertain significance. Last evaluated: 2025-07-25. Review status: criteria provided, single submitter. Criteria: GeneDx Variant Classification Process June 2021. Collection method: clinical testing. Allele origin: germline. Affected: yes.
Comment: In silico analysis supports that this missense variant has a deleterious effect on protein structure/function; Missense variant in a gene in which most reported pathogenic variants are truncating/loss of function; Has not been previously published as pathogenic or benign to our knowledge

Revvity Omics, Revvity
Classification: Uncertain significance. Last evaluated: 2023-02-08. Review status: criteria provided, single submitter. Criteria: ACMG Guidelines, 2015. Collection method: clinical testing. Allele origin: germline.

Athena Diagnostics
Classification: Likely benign. Last evaluated: 2019-06-12. Review status: criteria provided, single submitter. Criteria: Athena Diagnostics Criteria. Collection method: clinical testing. Allele origin: germline.

Eurofins Ntd Llc (ga)
Classification: Uncertain significance. Last evaluated: 2016-12-30. Review status: criteria provided, single submitter. Criteria: EGL Classification Definitions 2015. Collection method: clinical testing. Allele origin: germline. Observed: 3 variant alleles, 3 heterozygotes.

PreventionGenetics, part of Exact Sciences
Classification: Likely benign for PLEC-related condition. Last evaluated: 2024-02-16. Review status: no assertion criteria provided. Collection method: clinical testing. Allele origin: germline. Not counted in ClinVar's aggregate classification.
Comment: This variant is classified as likely benign based on ACMG/AMP sequence variant interpretation guidelines (Richards et al. 2015 PMID: 25741868, with internal and published modifications).

NM_201384.3(PLEC):c.10417G>A (p.Gly3473Ser)

Gene: PLEC (plectin; minus strand). Cytogenetic location: 8q24.3.
Variant type: single nucleotide variant.
Coding change: c.10417G>A on transcript NM_201384.3 (MANE Select); coding-DNA position 10417, G replaced by A.
Protein change: p.Gly3473Ser; replaces glycine 3473 with serine.
Molecular consequence: missense variant.
Genome position (GRCh38, 1-based): chr8:143,919,404, C>T on the plus strand (G>A on the coding strand, the complement: PLEC is on the minus strand). VCF-style: chr8-143919404-C-T. GRCh37 (hg19) VCF-style: chr8-144993572-C-T.
Other names: c.10498G>A, p.Gly3500Ser (NM_000445.5); c.10375G>A, p.Gly3459Ser (NM_201378.4); c.10351G>A, p.Gly3451Ser (NM_201379.3); c.10828G>A, p.Gly3610Ser (NM_201380.4); c.10321G>A, p.Gly3441Ser (NM_201381.3); c.10417G>A, p.Gly3473Ser (NM_201382.4); c.10429G>A, p.Gly3477Ser (NM_201383.3); short protein forms G3441S, G3451S, G3459S, G3473S, G3477S, G3500S, G3610S.
Identifiers: ClinVar variation 93017 (VCV000093017.26), dbSNP rs201765507, ClinGen allele CA220836.